The following is an entry in ClinVar:

ClinVar aggregate classification (germline): Benign/Likely benign. Review status: criteria provided, multiple submitters, no conflicts (2 of 4 stars). 4 submissions from 4 submitters: Benign (2); Likely benign (1). 1 of the submissions does not count toward it. Last evaluated 2026-01-28.

Conditions:
Mucopolysaccharidosis type 6 (MPS6). Also called: ARSB DEFICIENCY; ARYLSULFATASE B DEFICIENCY; N-ACETYLGALACTOSAMINE-4-SULFATASE DEFICIENCY; MPS VI; MPS 6; Maroteaux Lamy syndrome. Identifiers: Orphanet 583, MedGen C0026709, MONDO:0009661, OMIM 253200.

Allele frequency attached by ClinVar (database versions not stated): gnomAD exomes 0.00234; ExAC 0.00269; ESP Exome Variant Server 0.00815; gnomAD 0.00887 and 0.00947; TOPMed 0.00948; 1000 Genomes Project 0.01018; 1000 Genomes Project 30x 0.01218.
gnomAD v4.1: 2,702 of 1,613,994 alleles (0.17%); highest among the groups gnomAD compares: African/African-American, 3.1%; 50 homozygotes.

Submissions (4):

Labcorp Genetics (formerly Invitae), Labcorp
Classification: Benign for Mucopolysaccharidosis type 6. Last evaluated: 2026-01-28. Review status: criteria provided, single submitter. Criteria: Invitae Variant Classification Sherloc (09022015). Collection method: clinical testing. Allele origin: germline.

Mayo Clinic Laboratories, Mayo Clinic
Classification: Benign. Last evaluated: 2021-10-21. Review status: criteria provided, single submitter. Criteria: ACMG Guidelines, 2015. Collection method: clinical testing. Allele origin: germline. Observed: 11 variant alleles.
Comment: BA1, BP4, BP7

GeneDx
Classification: Likely benign. Last evaluated: 2020-02-03. Review status: criteria provided, single submitter. Criteria: GeneDx Variant Classification Process June 2021. Collection method: clinical testing. Allele origin: germline. Affected: yes.

Natera, Inc.
Classification: Benign for Mucopolysaccharidosis type VI. Last evaluated: 2020-09-16. Review status: no assertion criteria provided. Collection method: clinical testing. Allele origin: germline. Not counted in ClinVar's aggregate classification.

NM_000046.5(ARSB):c.1068A>T (p.Thr356=)

Gene: ARSB (arylsulfatase B; minus strand). Cytogenetic location: 5q14.1.
Variant type: single nucleotide variant.
Coding change: c.1068A>T on transcript NM_000046.5 (MANE Select); coding-DNA position 1068, A replaced by T.
Protein change: p.Thr356=; no amino-acid change (threonine 356 retained).
Molecular consequence: synonymous variant.
Genome position (GRCh38, 1-based): chr5:78,885,658, T>A on the plus strand (A>T on the coding strand, the complement: ARSB is on the minus strand). VCF-style: chr5-78885658-T-A. GRCh37 (hg19) VCF-style: chr5-78181481-T-A.
Other names: p.Thr356=; c.1068A>T, p.Thr356= (NM_198709.3).
Identifiers: ClinVar variation 527328 (VCV000527328.16), dbSNP rs16876029, ClinGen allele CA3318127.